The following is an entry in ClinVar:

ClinVar aggregate classification (germline): Uncertain significance (1 of 4 stars; one submission).

Conditions:
Ellis-van Creveld syndrome (EVC). Also called: MESOECTODERMAL DYSPLASIA; Chondroectodermal dysplasia; EVC-Related Ellis-van Creveld Syndrome; EVC2-Related Ellis-van Creveld Syndrome. Identifiers: Orphanet 289, MedGen C0013903, MONDO:0009162, OMIM 225500.
Curry-Hall syndrome (WAD). Also called: WEYERS ACRODENTAL DYSOSTOSIS. Identifiers: Orphanet 952, MedGen C0457013, MONDO:0008673, OMIM 193530.

Allele frequency attached by ClinVar (database versions not stated): gnomAD exomes below 0.00001.
gnomAD v4.1: 2 of 1,613,816 alleles (0.00012%); highest among the groups gnomAD compares: Non-Finnish European, 0.00017%; no homozygotes.

Submission:

Labcorp Genetics (formerly Invitae), Labcorp
Classification: Uncertain significance for Curry-Hall syndrome; Ellis-van Creveld syndrome. Last evaluated: 2021-08-31. Review status: criteria provided, single submitter. Criteria: Invitae Variant Classification Sherloc (09022015). Collection method: clinical testing. Allele origin: germline.
Comment: This sequence change replaces lysine with asparagine at codon 808 of the EVC protein (p.Lys808Asn). The lysine residue is weakly conserved and there is a moderate physicochemical difference between lysine and asparagine. This variant is not present in population databases (ExAC no frequency). This variant has not been reported in the literature in individuals affected with EVC-related conditions. Algorithms developed to predict the effect of missense changes on protein structure and function (SIFT, PolyPhen-2, Align-GVGD) all suggest that this variant is likely to be tolerated. In summary, the available evidence is currently insufficient to determine the role of this variant in disease. Therefore, it has been classified as a Variant of Uncertain Significance.

NM_153717.3(EVC):c.2424A>T (p.Lys808Asn)

Gene: EVC (EvC ciliary complex subunit 1; plus strand). Cytogenetic location: 4p16.2.
Variant type: single nucleotide variant.
Coding change: c.2424A>T on transcript NM_153717.3 (MANE Select); coding-DNA position 2424, A replaced by T.
Protein change: p.Lys808Asn; replaces lysine 808 with asparagine.
Molecular consequence: missense variant.
Genome position (GRCh38, 1-based): chr4:5,802,069, A>T. VCF-style: chr4-5802069-A-T. GRCh37 (hg19) VCF-style: chr4-5803796-A-T.
Other names: c.2424A>T, p.Lys808Asn (NM_001306090.2); short protein forms K808N.
Identifiers: ClinVar variation 2157903 (VCV002157903.1), dbSNP rs1715100620, ClinGen allele CA356147072.